The following is an entry in ClinVar:

ClinVar aggregate classification (germline): Pathogenic (1 of 4 stars; one submission).

Submission:

Labcorp Genetics (formerly Invitae), Labcorp
Classification: Pathogenic. Last evaluated: 2025-10-26. Review status: criteria provided, single submitter. Criteria: Invitae Variant Classification Sherloc (09022015). Collection method: clinical testing. Allele origin: germline.
Comment: This sequence change creates a premature translational stop signal (p.Tyr5*) in the PRDM5 gene. It is expected to result in an absent or disrupted protein product. Loss-of-function variants in PRDM5 are known to be pathogenic (PMID: 21664999, 26395458). This variant is not present in population databases (gnomAD no frequency). This variant has not been reported in the literature in individuals affected with PRDM5-related conditions. For these reasons, this variant has been classified as Pathogenic.

Literature cited by the submitters: PubMed 21664999; PubMed 26395458.

NM_018699.4(PRDM5):c.15C>A (p.Tyr5Ter)

Gene: PRDM5 (PR/SET domain 5; minus strand). Cytogenetic location: 4q27.
Variant type: single nucleotide variant.
Coding change: c.15C>A on transcript NM_018699.4 (MANE Select); coding-DNA position 15, C replaced by A.
Protein change: p.Tyr5Ter; replaces tyrosine 5 with a stop codon.
Molecular consequence: nonsense.
Genome position (GRCh38, 1-based): chr4:120,922,594, G>T on the plus strand (C>A on the coding strand, the complement: PRDM5 is on the minus strand). VCF-style: chr4-120922594-G-T. GRCh37 (hg19) VCF-style: chr4-121843749-G-T.
Other names: c.15C>A, p.Tyr5Ter (NM_001300823.2, NM_001300824.2, NM_001379104.1 and 1 more transcripts); short protein forms Y5*.
Identifiers: ClinVar variation 4729934 (VCV004729934.1).